The following is an entry in ClinVar:

NM_004239.4(TRIP11):c.2129T>C (p.Ile710Thr)

Gene: TRIP11 (thyroid hormone receptor interactor 11; minus strand). Cytogenetic location: 14q32.12.
Variant type: single nucleotide variant.
Coding change: c.2129T>C on transcript NM_004239.4 (MANE Select); coding-DNA position 2129, T replaced by C.
Protein change: p.Ile710Thr; replaces isoleucine 710 with threonine.
Molecular consequence: missense variant.
Genome position (GRCh38, 1-based): chr14:92,005,847, A>G on the plus strand (T>C on the coding strand, the complement: TRIP11 is on the minus strand). VCF-style: chr14-92005847-A-G. GRCh37 (hg19) VCF-style: chr14-92472191-A-G.
Other names: c.2126T>C, p.Ile709Thr (NM_001321851.1); short protein forms I710T, I709T.
Identifiers: ClinVar variation 1520149 (VCV001520149.8), dbSNP rs751874296, ClinGen allele CA7313826.
Genomic context (GRCh38, chr14:92,005,847, plus strand): 5'-TTTTTAGCCCAACACAATTCTGCCTCTATCTCTCCTTTTTCCATTTTTAGAGTCTCCACA[A>G]TAGTGTTTTTTTCCAGAGAAAGCTGATTGTTACCAGCAAGACATTCTTCTAACTGATGCC-3'
Protein context (NP_004230.2, residues 700-720): NNQLSLEKNT[Ile710Thr]VETLKMEKGE

ClinVar aggregate classification (germline): Uncertain significance (1 of 4 stars; one submission).

Conditions:
Achondrogenesis, type IA (ACG1A). Identifiers: Orphanet 932, Orphanet 93299, MedGen C0265273, MONDO:0008701, OMIM 200600.

Allele frequency attached by ClinVar (database versions not stated): gnomAD exomes below 0.00001; TOPMed below 0.00001; ExAC 0.00001; gnomAD 0.00001.
gnomAD v4.1: 5 of 1,613,912 alleles (0.00031%); highest among the groups gnomAD compares: Admixed American, 0.0017%; no homozygotes.

Submission:

Labcorp Genetics (formerly Invitae), Labcorp
Classification: Uncertain significance for Achondrogenesis, type IA. Last evaluated: 2022-08-19. Review status: criteria provided, single submitter. Criteria: Invitae Variant Classification Sherloc (09022015). Collection method: clinical testing. Allele origin: germline.
Comment: In summary, the available evidence is currently insufficient to determine the role of this variant in disease. Therefore, it has been classified as a Variant of Uncertain Significance. Algorithms developed to predict the effect of missense changes on protein structure and function are either unavailable or do not agree on the potential impact of this missense change (SIFT: "Not Available"; PolyPhen-2: "Benign"; Align-GVGD: "Not Available"). ClinVar contains an entry for this variant (Variation ID: 1520149). This variant has not been reported in the literature in individuals affected with TRIP11-related conditions. This variant is present in population databases (rs751874296, gnomAD 0.0009%). This sequence change replaces isoleucine, which is neutral and non-polar, with threonine, which is neutral and polar, at codon 710 of the TRIP11 protein (p.Ile710Thr).